The following is an entry in ClinVar:

NM_024605.4(ARHGAP10):c.2228A>G (p.His743Arg)

Gene: ARHGAP10 (Rho GTPase activating protein 10; plus strand). Cytogenetic location: 4q31.23.
Variant type: single nucleotide variant.
Coding change: c.2228A>G on transcript NM_024605.4 (MANE Select); coding-DNA position 2228, A replaced by G.
Protein change: p.His743Arg; replaces histidine 743 with arginine.
Molecular consequence: missense variant.
Genome position (GRCh38, 1-based): chr4:148,064,463, A>G. VCF-style: chr4-148064463-A-G. GRCh37 (hg19) VCF-style: chr4-148985614-A-G.
Other names: short protein forms H743R.
Identifiers: ClinVar variation 120315 (VCV000120315.1), dbSNP rs483352829, ClinGen allele CA230657.

ClinVar aggregate classification (germline): not provided (0 of 4 stars; one submission).

Allele frequency attached by ClinVar (database versions not stated): TOPMed 0.00003; gnomAD 0.00001; gnomAD exomes 0.00001 and 0.00002.
gnomAD v4.1: 7 of 1,614,086 alleles (0.00043%); highest among the groups gnomAD compares: Admixed American, 0.0083%; no homozygotes.

Submission:

Department of Psychiatry, Nagoya University
No classification provided. Review status: no classification provided. Collection method: not provided. Allele origin: somatic.